The following is an entry in ClinVar:

NM_212482.4(FN1):c.1685A>C (p.Gln562Pro)

Gene: FN1 (fibronectin 1; minus strand). Cytogenetic location: 2q35.
Variant type: single nucleotide variant.
Coding change: c.1685A>C on transcript NM_212482.4 (MANE Select); coding-DNA position 1685, A replaced by C.
Protein change: p.Gln562Pro; replaces glutamine 562 with proline.
Molecular consequence: missense variant.
Genome position (GRCh38, 1-based): chr2:215,419,376, T>G on the plus strand (A>C on the coding strand, the complement: FN1 is on the minus strand). VCF-style: chr2-215419376-T-G. GRCh37 (hg19) VCF-style: chr2-216284099-T-G.
Other names: c.1685A>C, p.Gln562Pro (NM_001306129.2, NM_001306130.2, NM_001306131.2 and 14 more transcripts); short protein forms Q562P.
Identifiers: ClinVar variation 1960259 (VCV001960259.5), dbSNP rs554773823, ClinGen allele CA2095193.

ClinVar aggregate classification (germline): Uncertain significance (1 of 4 stars; one submission).

Allele frequency attached by ClinVar (database versions not stated): TOPMed below 0.00001; ExAC 0.00001; gnomAD 0.00001; 1000 Genomes Project 0.00020; 1000 Genomes Project 30x 0.00031.
gnomAD v4.1: 3 of 1,613,192 alleles (0.00019%); highest among the groups gnomAD compares: African/African-American, 0.004%; no homozygotes.

Submission:

Labcorp Genetics (formerly Invitae), Labcorp
Classification: Uncertain significance. Last evaluated: 2022-10-21. Review status: criteria provided, single submitter. Criteria: Invitae Variant Classification Sherloc (09022015). Collection method: clinical testing. Allele origin: germline.
Comment: In summary, the available evidence is currently insufficient to determine the role of this variant in disease. Therefore, it has been classified as a Variant of Uncertain Significance. Advanced modeling of protein sequence and biophysical properties (such as structural, functional, and spatial information, amino acid conservation, physicochemical variation, residue mobility, and thermodynamic stability) has been performed at Invitae for this missense variant, however the output from this modeling did not meet the statistical confidence thresholds required to predict the impact of this variant on FN1 protein function. This variant has not been reported in the literature in individuals affected with FN1-related conditions. This variant is present in population databases (rs554773823, gnomAD 0.008%). This sequence change replaces glutamine, which is neutral and polar, with proline, which is neutral and non-polar, at codon 562 of the FN1 protein (p.Gln562Pro).